The following is an entry in ClinVar:

NM_000540.3(RYR1):c.8725G>C (p.Asp2909His)

Gene: RYR1 (ryanodine receptor 1; plus strand). Cytogenetic location: 19q13.2.
Variant type: single nucleotide variant.
Coding change: c.8725G>C on transcript NM_000540.3 (MANE Select); coding-DNA position 8725, G replaced by C.
Protein change: p.Asp2909His; replaces aspartic acid 2909 with histidine.
Molecular consequence: missense variant.
Genome position (GRCh38, 1-based): chr19:38,506,861, G>C. VCF-style: chr19-38506861-G-C. GRCh37 (hg19) VCF-style: chr19-38997501-G-C.
Other names: c.8725G>C, p.Asp2909His (NM_001042723.2); short protein forms D2909H.
Identifiers: ClinVar variation 3069936 (VCV003069936.1), dbSNP rs372974107, ClinGen allele CA405680836.

ClinVar aggregate classification (germline): Uncertain significance (1 of 4 stars; one submission).

Conditions:
Malignant hyperthermia, susceptibility to, 1 (MHS1). Also called: RYR1-Related Malignant Hyperthermia Susceptibility; Anesthesia related hyperthermia; Malignant hyperpyrexia; Fulminating hyperpyrexia; Pharmacogenic myopathy; Malignant hyperthermia suceptibility 1. Identifiers: Orphanet 423, MedGen C2930980, MONDO:0007783, OMIM 145600.

Allele frequency attached by ClinVar (database versions not stated): TOPMed below 0.00001.
gnomAD v4.1: 2 of 1,613,878 alleles (0.00012%); highest among the groups gnomAD compares: African/African-American, 0.0013%; no homozygotes.

Submission:

All of Us Research Program, National Institutes of Health
Classification: Uncertain significance for Malignant hyperthermia, susceptibility to, 1. Last evaluated: 2023-03-23. Review status: criteria provided, single submitter. Criteria: ACMG Guidelines, 2015. Collection method: clinical testing. Allele origin: germline. Inheritance: Autosomal dominant inheritance. Observed: 1 variant allele, 1 heterozygote.
Comment: This missense variant replaces aspartic acid with histidine at codon 2909 of the RYR1 protein. Computational prediction suggests that this variant may have deleterious impact on protein structure and function (internally defined REVEL score threshold >= 0.7, PMID: 27666373). To our knowledge, functional studies have not been reported for this variant. This variant has not been reported in individuals affected with RYR1-related disorders in the literature. This variant has been identified in 1/251282 chromosomes in the general population by the Genome Aggregation Database (gnomAD). The available evidence is insufficient to determine the role of this variant in disease conclusively. Therefore, this variant is classified as a Variant of Uncertain Significance.

This study involves interpretation of variants in research participants for the purpose of population health screening. Participant phenotype was not available at the time of variant classification. Additional details can be found in publication PMID: 35346344, PMCID: PMC8962531